The following is an entry in ClinVar:

ClinVar aggregate classification (germline): Pathogenic (1 of 4 stars; one submission).

Conditions:
Hereditary cancer-predisposing syndrome. Also called: Tumor predisposition; Hereditary Cancer Syndrome; Hereditary neoplastic syndrome; Neoplastic Syndromes, Hereditary. Identifiers: Orphanet 140162, MedGen C0027672, MeSH D009386, MONDO:0015356.

Submission:

Ambry Genetics
Classification: Pathogenic for Hereditary cancer-predisposing syndrome. Last evaluated: 2025-07-15. Review status: criteria provided, single submitter. Criteria: Ambry Variant Classification Scheme 2023. Collection method: clinical testing. Allele origin: germline.
Comment: The c.661_664dupCTCT pathogenic mutation, located in coding exon 5 of the CTNNA1 gene, results from a duplication of CTCT at nucleotide position 661, causing a translational frameshift with a predicted alternate stop codon (p.Y222Sfs*13). This variant is considered to be rare based on population cohorts in the Genome Aggregation Database (gnomAD). This alteration is expected to result in loss of function by premature protein truncation or nonsense-mediated mRNA decay. As such, this alteration is interpreted as a disease-causing mutation.

NM_001903.5(CTNNA1):c.661_664dup (p.Tyr222fs)

Gene: CTNNA1 (catenin alpha 1; plus strand). Cytogenetic location: 5q31.2.
Variant type: Microsatellite.
Coding change: c.661_664dup on transcript NM_001903.5 (MANE Select); coding-DNA positions 661 to 664, 4 bases duplicated (CTCT; older notation c.661_664dupCTCT).
Protein change: p.Tyr222fs; shifts the reading frame from tyrosine 222.
Molecular consequence: frameshift variant.
Genome position (GRCh38, 1-based): chr5:138,824,602-138,824,605, CTCT duplicated. VCF-style (leftmost placement, unchanged base first): chr5-138824601-C-CCTCT. GRCh37 (hg19) VCF-style: chr5-138160290-C-CCTCT.
Other names: c.661_664dup, p.Tyr222fs (NM_001290307.3, NM_001323982.2, NM_001323983.1 and 3 more transcripts); c.352_355dup, p.Tyr119fs (NM_001290309.3); c.292_295dup, p.Tyr99fs (NM_001290310.3); short protein forms Y222fs, Y99fs, Y119fs.
Identifiers: ClinVar variation 3270096 (VCV003270096.2).